The following is an entry in ClinVar:

ClinVar aggregate classification (germline): Likely benign. Review status: criteria provided, multiple submitters, no conflicts (2 of 4 stars). 3 submissions from 3 submitters: Likely benign (2). 1 of the submissions does not count toward it. Last evaluated 2026-01-28.

Conditions:
CWC27-related disorder. Also called: CWC27-related condition.

Allele frequency attached by ClinVar (database versions not stated): gnomAD exomes 0.00007 and 0.00013; ExAC 0.00032; ESP Exome Variant Server 0.00046; gnomAD 0.00068 and 0.00071; 1000 Genomes Project 30x 0.00078; TOPMed 0.00079; 1000 Genomes Project 0.00080.
gnomAD v4.1: 216 of 1,597,368 alleles (0.014%); highest among the groups gnomAD compares: African/African-American, 0.22%; no homozygotes.

Submissions (3):

Labcorp Genetics (formerly Invitae), Labcorp
Classification: Likely benign. Last evaluated: 2026-01-28. Review status: criteria provided, single submitter. Criteria: Invitae Variant Classification Sherloc (09022015). Collection method: clinical testing. Allele origin: germline.

Blueprint Genetics
Classification: Likely benign. Last evaluated: 2024-10-09. Review status: criteria provided, single submitter. Criteria: ACMG Guidelines, 2015. Collection method: clinical testing. Allele origin: germline.

PreventionGenetics, part of Exact Sciences
Classification: Likely benign for CWC27-related condition. Last evaluated: 2019-03-27. Review status: no assertion criteria provided. Collection method: clinical testing. Allele origin: germline. Not counted in ClinVar's aggregate classification.
Comment: This variant is classified as likely benign based on ACMG/AMP sequence variant interpretation guidelines (Richards et al. 2015 PMID: 25741868, with internal and published modifications).

NM_005869.4(CWC27):c.939-3T>C

Gene: CWC27 (CWC27 spliceosome associated cyclophilin; plus strand). Cytogenetic location: 5q12.3.
Variant type: single nucleotide variant.
Coding change: c.939-3T>C on transcript NM_005869.4 (MANE Select); 3 bases into the intron before coding-DNA position 939, T replaced by C.
Molecular consequence: intron variant.
Genome position (GRCh38, 1-based): chr5:64,885,440, T>C. VCF-style: chr5-64885440-T-C. GRCh37 (hg19) VCF-style: chr5-64181267-T-C.
Other names: c.939-3T>C (NM_001297644.1, NM_001364478.1, NM_005869.3).
Identifiers: ClinVar variation 1107698 (VCV001107698.12), dbSNP rs140088358, ClinGen allele CA3282171.